The following is an entry in ClinVar:

NM_001008537.3(NEXMIF):c.2575C>T (p.Gln859Ter)

Gene: NEXMIF (neurite extension and migration factor; minus strand). Cytogenetic location: Xq13.3.
Variant type: single nucleotide variant.
Coding change: c.2575C>T on transcript NM_001008537.3 (MANE Select); coding-DNA position 2575, C replaced by T.
Protein change: p.Gln859Ter; replaces glutamine 859 with a stop codon.
Molecular consequence: nonsense.
Genome position (GRCh38, 1-based): chrX:74,741,982, G>A on the plus strand (C>T on the coding strand, the complement: NEXMIF is on the minus strand). VCF-style: chrX-74741982-G-A. GRCh37 (hg19) VCF-style: chrX-73961817-G-A.
Other names: short protein forms Q859*.
Identifiers: ClinVar variation 2087398 (VCV002087398.4), dbSNP rs2519913696, ClinGen allele CA413667917.

ClinVar aggregate classification (germline): Pathogenic (1 of 4 stars; one submission).

Submission:

Labcorp Genetics (formerly Invitae), Labcorp
Classification: Pathogenic. Last evaluated: 2022-08-23. Review status: criteria provided, single submitter. Criteria: Invitae Variant Classification Sherloc (09022015). Collection method: clinical testing. Allele origin: germline.
Comment: This sequence change creates a premature translational stop signal (p.Gln859*) in the NEXMIF gene. It is expected to result in an absent or disrupted protein product. Loss-of-function variants in NEXMIF are known to be pathogenic (PMID: 23615299). This variant is not present in population databases (gnomAD no frequency). This variant has not been reported in the literature in individuals affected with NEXMIF-related conditions. For these reasons, this variant has been classified as Pathogenic.

Literature cited by the submitters: PubMed 23615299.